The following is an entry in ClinVar:

ClinVar aggregate classification (germline): Conflicting classifications of pathogenicity. Review status: criteria provided, conflicting classifications (1 of 4 stars). 4 submissions from 4 submitters: Uncertain significance (1); Likely benign (3). Last evaluated 2026-09-01.

Conditions:
Congenital adrenal hyperplasia due to cytochrome P450 oxidoreductase deficiency. Also called: DISORDERED STEROIDOGENESIS DUE TO POR DEFICIENCY. Identifiers: Orphanet 95699, MedGen C1860042, MONDO:0013310, OMIM 613571.

Allele frequency attached by ClinVar (database versions not stated): ESP Exome Variant Server 0.00008; TOPMed 0.00008; gnomAD 0.00009 and 0.00010; gnomAD exomes 0.00009 and 0.00016; ExAC 0.00017.
gnomAD v4.1: 242 of 1,578,990 alleles (0.015%); highest among the groups gnomAD compares: Non-Finnish European, 0.019%; no homozygotes.

Submissions (4):

CeGaT Center for Human Genetics Tuebingen
Classification: Likely benign. Last evaluated: 2026-09-01. Review status: criteria provided, single submitter. Criteria: CeGaT Center For Human Genetics Tuebingen Variant Classification Criteria Version 2. Collection method: clinical testing. Allele origin: germline. Affected: yes. Observed: 1 variant allele.
Comment: POR: BP4, BP7

Labcorp Genetics (formerly Invitae), Labcorp
Classification: Likely benign for Congenital adrenal hyperplasia due to cytochrome P450 oxidoreductase deficiency. Last evaluated: 2026-01-21. Review status: criteria provided, single submitter. Criteria: Invitae Variant Classification Sherloc (09022015). Collection method: clinical testing. Allele origin: germline.

Blueprint Genetics
Classification: Likely benign. Last evaluated: 2024-09-20. Review status: criteria provided, single submitter. Criteria: ACMG Guidelines, 2015. Collection method: clinical testing. Allele origin: germline.

Illumina Laboratory Services, Illumina
Classification: Uncertain significance for Congenital adrenal hyperplasia due to cytochrome P450 oxidoreductase deficiency. Last evaluated: 2018-01-12. Review status: criteria provided, single submitter. Criteria: ICSL Variant Classification Criteria 13 December 2019. Collection method: clinical testing. Allele origin: germline.

NM_001395413.1(POR):c.1578G>A (p.Thr526=)

Gene: POR (cytochrome p450 oxidoreductase; plus strand). Cytogenetic location: 7q11.23.
Variant type: single nucleotide variant.
Coding change: c.1578G>A on transcript NM_001395413.1 (MANE Select); coding-DNA position 1578, G replaced by A.
Protein change: p.Thr526=; no amino-acid change (threonine 526 retained).
Molecular consequence: synonymous variant.
Genome position (GRCh38, 1-based): chr7:75,985,767, G>A. VCF-style: chr7-75985767-G-A. GRCh37 (hg19) VCF-style: chr7-75615085-G-A.
Other names: c.1578G>A, p.Thr526= (NM_001367562.3, NM_001382657.2, NM_001382658.3 and 1 more transcripts); c.1632G>A, p.Thr544= (NM_001382655.3); c.1428G>A, p.Thr476= (NM_001382662.3).
Identifiers: ClinVar variation 909542 (VCV000909542.11), dbSNP rs371795413, ClinGen allele CA4304195.